The following is an entry in ClinVar:

ClinVar aggregate classification (germline): Uncertain significance (1 of 4 stars; one submission).

Conditions:
Ciliopathy. Also called: Ciliopathies. Identifiers: Orphanet 363250, MedGen C4277690, MONDO:0005308, MeSH D000072661.

Submission:

Myriad Genetics, Inc.
Classification: Uncertain significance for Ciliopathy. Last evaluated: 2025-11-05. Review status: criteria provided, single submitter. Criteria: Myriad Autosomal Dominant, Autosomal Recessive and X-Linked Classification Criteria (2023). Collection method: clinical testing. Allele origin: unknown.
Comment: NM_017777.3(MKS1):c.518_520dupAGG(E173dup) is an in-frame insertion classified as a variant of uncertain significance in the context of MKS1-related disorders. E173dup has not been observed in cases with relevant disease. Relevant functional assessments of this variant are not available in the literature. E173dup has not been observed in referenced population frequency databases. In summary, there is insufficient evidence to classify NM_017777.3(MKS1):c.518_520dupAGG(E173dup) as pathogenic or benign. Please note: this variant was assessed in the context of healthy population screening.

NM_017777.4(MKS1):c.518_520dup (p.Glu173_Gly174insGlu)

Gene: MKS1 (MKS transition zone complex subunit 1; minus strand). Cytogenetic location: 17q22.
Variant type: Duplication.
Coding change: c.518_520dup on transcript NM_017777.4 (MANE Select); coding-DNA positions 518 to 520, 3 bases duplicated (AGG; older notation c.518_520dupAGG).
Protein change: p.Glu173_Gly174insGlu.
Molecular consequence: inframe insertion. On other transcripts: 5 prime UTR variant (1).
Genome position (GRCh38, 1-based): chr17:58,214,383-58,214,385, CCT duplicated on the plus strand (AGG on the coding strand, the reverse complement: MKS1 is on the minus strand); duplicating any 3 consecutive bases within chr17:58,214,383-58,214,387 gives the same sequence; the c. name uses the placement nearest the transcript's 3' end. VCF-style (leftmost placement, unchanged base first): chr17-58214382-C-CCCT. GRCh37 (hg19) VCF-style: chr17-56291743-C-CCCT.
Other names: c.-92_-90dup (NM_001321268.2); c.518_520dup, p.Glu173_Gly174insGlu (NM_001321269.2, NM_001330397.2, NM_001411113.1).
Identifiers: ClinVar variation 5004268 (VCV005004268.1).
Genomic context (GRCh38, chr17:58,214,382, plus strand): 5'-TTGTTCCTGACAAACTCTTCTGAGGGCTCCCAGGTGACGATGCGTGACTTGAGGATGCCG[C>CCCT]CCTCCCTGGGAGACACCACAGAAAGGTCACTTCCCTGGCACACCCCAATGGAGCACCCCA-3'